The following is an entry in ClinVar:

ClinVar aggregate classification (germline): Uncertain significance. Review status: criteria provided, multiple submitters, no conflicts (2 of 4 stars). 2 submissions from 2 submitters: Uncertain significance (2). Last evaluated 2025-10-13.

Conditions:
Multiple endocrine neoplasia, type 1 (MEN1). Also called: MEA I; MEN I; WERMER SYNDROME; Endocrine adenomatosis multiple; MEN 1. Identifiers: Orphanet 652, MedGen C0025267, MeSH D018761, MONDO:0007540, OMIM 131100.
Hereditary cancer-predisposing syndrome. Also called: Neoplastic Syndromes, Hereditary; Tumor predisposition; Hereditary neoplastic syndrome; Hereditary Cancer Syndrome. Identifiers: Orphanet 140162, MedGen C0027672, MeSH D009386, MONDO:0015356.

Allele frequency attached by ClinVar (database versions not stated): gnomAD exomes below 0.00001.

Submissions (2):

Labcorp Genetics (formerly Invitae), Labcorp
Classification: Uncertain significance for Multiple endocrine neoplasia, type 1. Last evaluated: 2025-10-13. Review status: criteria provided, single submitter. Criteria: Invitae Variant Classification Sherloc (09022015). Collection method: clinical testing. Allele origin: germline.
Comment: This sequence change replaces leucine, which is neutral and non-polar, with phenylalanine, which is neutral and non-polar, at codon 37 of the MEN1 protein (p.Leu37Phe). This variant is not present in population databases (gnomAD no frequency). This variant has not been reported in the literature in individuals affected with MEN1-related conditions. ClinVar contains an entry for this variant (Variation ID: 1791747). Invitae Evidence Modeling of protein sequence and biophysical properties (such as structural, functional, and spatial information, amino acid conservation, physicochemical variation, residue mobility, and thermodynamic stability) indicates that this missense variant is expected to disrupt MEN1 protein function with a positive predictive value of 95%. In summary, the available evidence is currently insufficient to determine the role of this variant in disease. Therefore, it has been classified as a Variant of Uncertain Significance.

Ambry Genetics
Classification: Uncertain significance for Hereditary cancer-predisposing syndrome. Last evaluated: 2015-10-15. Review status: criteria provided, single submitter. Criteria: Ambry Variant Classification Scheme 2023. Collection method: clinical testing. Allele origin: germline.
Comment: The p.L37F variant (also known as c.109C>T), located in coding exon 1 of the MEN1 gene, results from a C to T substitution at nucleotide position 109. The leucine at codon 37 is replaced by phenylalanine, an amino acid with highly similar properties. This variant was not reported in population based cohorts in the following databases: Database of Single Nucleotide Polymorphisms (dbSNP), NHLBI Exome Sequencing Project (ESP), and 1000 Genomes Project. In the ESP, this variant was not observed in 6481 samples (12962 alleles) with coverage at this position. To date, this alteration has been detected with an allele frequency of approximately 0.05% (greater than 1900 alleles tested) in our clinical cohort. This amino acid position is highly conserved in available vertebrate species. In addition, this alteration is predicted to be deleterious by in silico analysis. Since supporting evidence is limited at this time, the clinical significance of p.L37F remains unclear.

NM_001370259.2(MEN1):c.109C>T (p.Leu37Phe)

Gene: MEN1 (menin 1; minus strand). Cytogenetic location: 11q13.1.
Variant type: single nucleotide variant.
Coding change: c.109C>T on transcript NM_001370259.2 (MANE Select); coding-DNA position 109, C replaced by T.
Protein change: p.Leu37Phe; replaces leucine 37 with phenylalanine.
Molecular consequence: missense variant.
Genome position (GRCh38, 1-based): chr11:64,810,001, G>A on the plus strand (C>T on the coding strand, the complement: MEN1 is on the minus strand). VCF-style: chr11-64810001-G-A. GRCh37 (hg19) VCF-style: chr11-64577473-G-A.
Other names: c.109C>T, p.Leu37Phe (NM_001370260.2, NM_001370261.2, NM_001370262.2 and 20 more transcripts); short protein forms L37F.
Identifiers: ClinVar variation 1791747 (VCV001791747.3), dbSNP rs2136193833, ClinGen allele CA381187939.